The following is an entry in ClinVar:

ClinVar aggregate classification (germline): Pathogenic (1 of 4 stars; one submission).

Conditions:
Fanconi anemia (FA). Also called: Fanconi's anemia. Identifiers: Orphanet 84, MedGen C0015625, MeSH D005199, MONDO:0019391.

Submission:

Labcorp Genetics (formerly Invitae), Labcorp
Classification: Pathogenic for Fanconi anemia. Last evaluated: 2018-04-20. Review status: criteria provided, single submitter. Criteria: Invitae Variant Classification Sherloc (09022015). Collection method: clinical testing. Allele origin: germline.
Comment: This variant is a gross deletion of the genomic region encompassing exons 1-3 of the FANCA gene, which includes the initiator codon. The 5' end of this event is unknown as it extends beyond the assayed region for this gene and therefore may encompass additional genes. The 3' boundary is likely confined to intron 3 of the FANCA gene. This is expected to result in an absent or disrupted protein product. A deletion of exons 1-3 has been reported in an individual affected with Fanconi anemia (PMID: 21273304). Loss-of-function variants in FANCA are known to be pathogenic (PMID: 19367192). For these reasons, this variant has been classified as Pathogenic.

Literature cited by the submitters: PubMed 21273304.

NC_000016.10:g.(?_89814514)_(89816621_?)del

Genes: FANCA (FA complementation group A; minus strand), LOC112486223 (Sharpr-MPRA regulatory region 3988; plus strand), LOC130059839 (ATAC-STARR-seq lymphoblastoid silent region 7925; plus strand). Cytogenetic location: 16q24.3.
Variant type: Deletion.
Identifiers: ClinVar variation 584062 (VCV000584062.1).